The following is an entry in ClinVar:

NM_000459.5(TEK):c.3338dup (p.Tyr1113Ter)

Gene: TEK (TEK receptor tyrosine kinase; plus strand). Cytogenetic location: 9p21.2.
Variant type: Duplication.
Coding change: c.3338dup on transcript NM_000459.5 (MANE Select); coding-DNA position 3338, one base duplicated (A; older notation c.3338dupA).
Protein change: p.Tyr1113Ter; replaces tyrosine 1113 with a stop codon.
Molecular consequence: nonsense. On other transcripts: frameshift variant (2).
Genome position (GRCh38, 1-based): chr9:27,229,195, A duplicated. VCF-style (leftmost placement, unchanged base first): chr9-27229194-T-TA. GRCh37 (hg19) VCF-style: chr9-27229192-T-TA.
Other names: c.3338dup (NM_000459.4); c.3209dup, p.Tyr1070Terfs (NM_001290077.2); c.2894dup, p.Tyr965Terfs (NM_001290078.2); c.3335dup, p.Tyr1112Ter (NM_001375475.1); c.3206dup, p.Tyr1069Ter (NM_001375476.1); short protein forms Y1069*, Y1070*, Y1112*, Y1113*, Y965*.
Identifiers: ClinVar variation 3340431 (VCV003340431.2).

ClinVar aggregate classification (germline): Pathogenic. Review status: criteria provided, multiple submitters, no conflicts (2 of 4 stars). 2 submissions from 2 submitters: Pathogenic (2). Last evaluated 2026-05-01.

Conditions:
Multiple cutaneous and mucosal venous malformations (VMCM). Also called: TEK-Related Multiple Cutaneous and Mucosal Venous Malformations (VMCM). Identifiers: Orphanet 2451, MedGen C1838437, MONDO:0010842, OMIM 600195.
Vascular malformation. Also called: Vascular malformations. Identifiers: MedGen C0158570, MONDO:0024291.

Submissions (2):

Clinical Genomics Laboratory, Washington University in St. Louis
Classification: Pathogenic for Vascular malformation. Last evaluated: 2026-05-01. Review status: criteria provided, single submitter. Criteria: Leon-Quintero et al. (Clin Genet. 2025). Collection method: clinical testing. Allele origin: somatic. Affected: yes.
Comment: A TEK c.3338dup (p.Tyr1113*) variant was identified at an allelic fraction consistent with somatic origin. The same amino acid change (p.Tyr1113*) due to different nucleotide changes (c.3339T>A; c.3339del; c.3339_3342del; c.3336_3348delinsATA) has been identified in the literature and in multiple individuals in our laboratory cohort, all with vascular malformations (Limaye N et al., PMID: 26637981; Ghasemi R et al., PMID 39632338). This variant is absent from the general population (gnomAD v4.1.1), indicating it is not a common variant. The TEK c.3338dup (p.Tyr1113*) variant resides within the C-terminal tail, which is defined as a critical functional domain (Shewchuk LM et al., PMID: 11080633). Functional studies on truncating variants in exon 23 of TEK (carboxy terminus of Tie2) demonstrated ligand-independent hyperphosphorylation of the TIE2 receptor, which is predicted to disrupt an autoinhibitory mechanism involving the C terminal region of TIE2 and thus resulting in constitutive activation of the downstream AKT signaling pathway (Nätynki M et al., PMID: 26319232; Soblet J et al., PMID: 23801934; Niu XL et al., PMID: 12082108). Specifically, functional evidence demonstrates that modifications to the p. Y1113 residue in particular result in uncontrolled angiogenesis through the inhibition of calmodulin binding (Yang C et al., PMID: 27199448). At the protein level, this variant introduces a premature termination codon at amino acid position 1113 (p.Tyr1113*). Because this occurs in the last coding exon, nonsense-mediated decay is not predicted to occur. Based on available information and an internally developed protocol informed by the ACMG/AMP guidelines for variant interpretation and gene-specific practices from the ClinGen Criteria Specification Registry (Leon-Quintero FZ et al., PMID: 39434542), this variant is classified as pathogenic.

Seattle Children's Hospital Molecular Genetics Laboratory, Seattle Children's Hospital
Classification: Pathogenic for Multiple cutaneous and mucosal venous malformations. Review status: criteria provided, single submitter. Criteria: ACMG Guidelines, 2015. Collection method: clinical testing. Allele origin: somatic. Affected: yes.
Comment: The p.Tyr1113* variant is absent from large population databases (gnomAD v2.1.1). This variant has been previously reported in a single individual with isolated venous malformation (PMID: 26637981). Late truncating mutations in TEK have been reported in individuals with sporadic venous malformations (PMID: 23801934, PMID: 26637981, PMID: 27519652, PMID: 33105631), and functional studies of C-terminal mutations have been shown to lead to ligand-independent kinase activation (PMID: 12082108, PMID: 23801934).